The following is an entry in ClinVar:

NM_002637.4(PHKA1):c.3288C>T (p.Thr1096=)

Gene: PHKA1 (phosphorylase kinase regulatory subunit alpha 1; minus strand). Cytogenetic location: Xq13.1.
Variant type: single nucleotide variant.
Coding change: c.3288C>T on transcript NM_002637.4 (MANE Select); coding-DNA position 3288, C replaced by T.
Protein change: p.Thr1096=; no amino-acid change (threonine 1096 retained).
Molecular consequence: synonymous variant.
Genome position (GRCh38, 1-based): chrX:72,584,258, G>A on the plus strand (C>T on the coding strand, the complement: PHKA1 is on the minus strand). VCF-style: chrX-72584258-G-A. GRCh37 (hg19) VCF-style: chrX-71804108-G-A.
Other names: c.3249C>T, p.Thr1083= (NM_001122670.2); c.3072C>T, p.Thr1024= (NM_001172436.2).
Identifiers: ClinVar variation 680430 (VCV000680430.6), dbSNP rs782626114, ClinGen allele CA10450494.

ClinVar aggregate classification (germline): Likely benign. Review status: criteria provided, multiple submitters, no conflicts (2 of 4 stars). 2 submissions from 2 submitters: Likely benign (2). Last evaluated 2022-07-20.

Conditions:
Glycogen storage disease IXd (GSD9D). Also called: Muscle Phosphorylase Kinase Deficiency; GSD IXd. Identifiers: Orphanet 715, MedGen C1845151, MONDO:0010362, OMIM 300559.

Allele frequency attached by ClinVar (database versions not stated): gnomAD exomes below 0.00001 and 0.00002; ExAC 0.00001; TOPMed 0.00001.
gnomAD v4.1: 5 of 1,202,880 alleles (0.00042%); highest among the groups gnomAD compares: Admixed American, 0.011%; no homozygotes.

Submissions (2):

Labcorp Genetics (formerly Invitae), Labcorp
Classification: Likely benign for Glycogen storage disease IXd. Last evaluated: 2022-07-20. Review status: criteria provided, single submitter. Criteria: Invitae Variant Classification Sherloc (09022015). Collection method: clinical testing. Allele origin: germline.

GeneDx
Classification: Likely benign. Last evaluated: 2018-03-22. Review status: criteria provided, single submitter. Criteria: GeneDx Variant Classification (06012015). Collection method: clinical testing. Allele origin: germline. Affected: yes.
Comment: This variant is considered likely benign or benign based on one or more of the following criteria: it is a conservative change, it occurs at a poorly conserved position in the protein, it is predicted to be benign by multiple in silico algorithms, and/or has population frequency not consistent with disease.